The following is an entry in ClinVar:

ClinVar aggregate classification (germline): Pathogenic (1 of 4 stars; one submission).

Conditions:
CHARGE syndrome (CHARGE). Also called: Hittner Hirsch Kreh syndrome; CHARGE ASSOCIATION--COLOBOMA, HEART ANOMALY, CHOANAL ATRESIA, RETARDATION, GENITAL AND EAR ANOMALIES; Coloboma, heart anomaly, choanal atresia, retardation, genital and ear anomalies; CHARGE association; Hall-Hittner syndrome. Identifiers: Orphanet 138, MedGen C0265354, MONDO:0008965.

Submission:

Juno Genomics, Hangzhou Juno Genomics, Inc
Classification: Pathogenic for CHD7-related CHARGE syndrome. Review status: criteria provided, single submitter. Criteria: ACMG Guidelines, 2015. Collection method: clinical testing. Allele origin: germline. Affected: yes.
Comment: Null variant in a gene where loss of function (LOF) is a known mechanism of disease.;Absent from controls (or at extremely low frequency if recessive) in Genome Aggregation Database, Exome Sequencing Project, 1000 Genomes Project, or Exome Aggregation Consortium.;Assumed de novo, but without confirmation of paternity and maternity.

NM_017780.4(CHD7):c.6607del (p.Ser2203fs)

Gene: CHD7 (chromodomain helicase DNA binding protein 7; plus strand). Cytogenetic location: 8q12.2.
Variant type: Deletion.
Coding change: c.6607del on transcript NM_017780.4 (MANE Select); coding-DNA position 6607, one base deleted (A; older notation c.6607delA).
Protein change: p.Ser2203fs; shifts the reading frame from serine 2203.
Molecular consequence: frameshift variant. On other transcripts: intron variant (1).
Genome position (GRCh38, 1-based): chr8:60,853,332, A deleted. VCF-style (leftmost placement, unchanged base first): chr8-60853331-GA-G. GRCh37 (hg19) VCF-style: chr8-61765890-GA-G.
Other names: c.1717-8897del (NM_001316690.1); short protein forms S2203fs.
Identifiers: ClinVar variation 3383089 (VCV003383089.2).